The following is an entry in ClinVar:

ClinVar aggregate classification (germline): Conflicting classifications of pathogenicity. Review status: criteria provided, conflicting classifications (1 of 4 stars). 2 submissions from 2 submitters: Uncertain significance (1); Likely benign (1). Last evaluated 2026-01-07.

Conditions:
Hereditary cancer-predisposing syndrome. Also called: Neoplastic Syndromes, Hereditary; Hereditary neoplastic syndrome; Tumor predisposition; Hereditary Cancer Syndrome. Identifiers: Orphanet 140162, MedGen C0027672, MeSH D009386, MONDO:0015356.

gnomAD v4.1: 1 of 1,613,164 alleles (0.000062%); highest among the groups gnomAD compares: Admixed American, 0.0017%; no homozygotes.

Submissions (2):

Ambry Genetics
Classification: Uncertain significance for Hereditary cancer-predisposing syndrome. Last evaluated: 2026-01-07. Review status: criteria provided, single submitter. Criteria: Ambry Variant Classification Scheme 2023. Collection method: clinical testing. Allele origin: germline.
Comment: The c.4551+3G>A intronic variant results from a G to A substitution 3 nucleotides after coding exon 35 in the POLE gene. This nucleotide position is not well conserved in available vertebrate species. In silico splice site analysis predicts that this alteration will not have any significant effect on splicing. Based on the available evidence, the clinical significance of this variant remains unclear.

Labcorp Genetics (formerly Invitae), Labcorp
Classification: Likely benign. Last evaluated: 2023-04-14. Review status: criteria provided, single submitter. Criteria: Invitae Variant Classification Sherloc (09022015). Collection method: clinical testing. Allele origin: germline.

NM_006231.4(POLE):c.4551+3G>A

Gene: POLE (DNA polymerase epsilon, catalytic subunit; minus strand). Cytogenetic location: 12q24.33.
Variant type: single nucleotide variant.
Coding change: c.4551+3G>A on transcript NM_006231.4 (MANE Select); 3 bases into the intron after coding-DNA position 4551, G replaced by A.
Molecular consequence: intron variant.
Genome position (GRCh38, 1-based): chr12:132,643,221, C>T on the plus strand (G>A on the coding strand, the complement: POLE is on the minus strand). VCF-style: chr12-132643221-C-T. GRCh37 (hg19) VCF-style: chr12-133219807-C-T.
Identifiers: ClinVar variation 576729 (VCV000576729.15), dbSNP rs1565938943, ClinGen allele CA891843964.